The following is an entry in ClinVar:

ClinVar aggregate classification (germline): Uncertain significance (1 of 4 stars; one submission).

Conditions:
Nephrolithiasis/nephrocalcinosis. Identifiers: MedGen CN580796.

Submission:

Ambry Genetics
Classification: Uncertain significance for Nephrolithiasis/nephrocalcinosis. Last evaluated: 2024-08-05. Review status: criteria provided, single submitter. Criteria: Ambry Variant Classification Scheme 2023. Collection method: clinical testing. Allele origin: germline.
Comment: The p.C6Y variant (also known as c.17G>A), located in coding exon 1 of the CASR gene, results from a G to A substitution at nucleotide position 17. The cysteine at codon 6 is replaced by tyrosine, an amino acid with highly dissimilar properties. This amino acid position is not well conserved in available vertebrate species. In addition, this alteration is predicted to be tolerated by in silico analysis. Based on the available evidence, the clinical significance of this variant remains unclear.

NM_000388.4(CASR):c.17G>A (p.Cys6Tyr)

Gene: CASR (calcium sensing receptor; plus strand). Cytogenetic location: 3q21.1.
Variant type: single nucleotide variant.
Coding change: c.17G>A on transcript NM_000388.4 (MANE Select); coding-DNA position 17, G replaced by A.
Protein change: p.Cys6Tyr; replaces cysteine 6 with tyrosine.
Molecular consequence: missense variant.
Genome position (GRCh38, 1-based): chr3:122,254,206, G>A. VCF-style: chr3-122254206-G-A. GRCh37 (hg19) VCF-style: chr3-121973053-G-A.
Other names: c.17G>A, p.Cys6Tyr (NM_001178065.2); short protein forms C6Y.
Identifiers: ClinVar variation 3485306 (VCV003485306.1).